The following is an entry in ClinVar:

NM_001211.6(BUB1B):c.1670C>G (p.Pro557Arg)

Gene: BUB1B (BUB1 mitotic checkpoint serine/threonine kinase B; plus strand). Cytogenetic location: 15q15.1.
Variant type: single nucleotide variant.
Coding change: c.1670C>G on transcript NM_001211.6 (MANE Select); coding-DNA position 1670, C replaced by G.
Protein change: p.Pro557Arg; replaces proline 557 with arginine.
Molecular consequence: missense variant.
Genome position (GRCh38, 1-based): chr15:40,202,630, C>G. VCF-style: chr15-40202630-C-G. GRCh37 (hg19) VCF-style: chr15-40494831-C-G.
Other names: short protein forms P557R.
Identifiers: ClinVar variation 1503269 (VCV001503269.10), dbSNP rs943659464, ClinGen allele CA268796542.

ClinVar aggregate classification (germline): Uncertain significance. Review status: criteria provided, multiple submitters, no conflicts (2 of 4 stars). 2 submissions from 2 submitters: Uncertain significance (2). Last evaluated 2021-06-18.

Conditions:
Inborn genetic diseases. Identifiers: MedGen C0950123, MeSH D030342.
Mosaic variegated aneuploidy syndrome 1 (MVA1). Also called: Warburton-Anyane-Yeboa syndrome. Identifiers: Orphanet 1052, MedGen C1850343, MONDO:0009759, OMIM 257300.

Allele frequency attached by ClinVar (database versions not stated): TOPMed 0.00001.

Submissions (2):

Labcorp Genetics (formerly Invitae), Labcorp
Classification: Uncertain significance for Mosaic variegated aneuploidy syndrome 1. Last evaluated: 2021-06-18. Review status: criteria provided, single submitter. Criteria: Invitae Variant Classification Sherloc (09022015). Collection method: clinical testing. Allele origin: germline.
Comment: In summary, the available evidence is currently insufficient to determine the role of this variant in disease. Therefore, it has been classified as a Variant of Uncertain Significance. Algorithms developed to predict the effect of missense changes on protein structure and function are either unavailable or do not agree on the potential impact of this missense change (SIFT: "Tolerated"; PolyPhen-2: "Possibly Damaging"; Align-GVGD: "Class C0"). This variant has not been reported in the literature in individuals with BUB1B-related conditions. This variant is not present in population databases (ExAC no frequency). This sequence change replaces proline with arginine at codon 557 of the BUB1B protein (p.Pro557Arg). The proline residue is moderately conserved and there is a moderate physicochemical difference between proline and arginine.

Ambry Genetics
Classification: Uncertain significance for Inborn genetic diseases. Last evaluated: 2021-06-10. Review status: criteria provided, single submitter. Criteria: Ambry Variant Classification Scheme 2023. Collection method: clinical testing. Allele origin: germline.
Comment: The p.P557R variant (also known as c.1670C>G), located in coding exon 14 of the BUB1B gene, results from a C to G substitution at nucleotide position 1670. The proline at codon 557 is replaced by arginine, an amino acid with dissimilar properties. This amino acid position is conserved. In addition, this alteration is predicted to be tolerated by in silico analysis. Since supporting evidence is limited at this time, the clinical significance of this alteration remains unclear.